The following is an entry in ClinVar:

NM_021120.4(DLG3):c.435C>T (p.Ile145=)

Gene: DLG3 (discs large MAGUK scaffold protein 3; plus strand). Cytogenetic location: Xq13.1.
Variant type: single nucleotide variant.
Coding change: c.435C>T on transcript NM_021120.4 (MANE Select); coding-DNA position 435, C replaced by T.
Protein change: p.Ile145=; no amino-acid change (isoleucine 145 retained).
Molecular consequence: synonymous variant.
Genome position (GRCh38, 1-based): chrX:70,449,385, C>T. VCF-style: chrX-70449385-C-T. GRCh37 (hg19) VCF-style: chrX-69669235-C-T.
Identifiers: ClinVar variation 2660824 (VCV002660824.25), dbSNP rs145494926, ClinGen allele CA10441961.

ClinVar aggregate classification (germline): Benign/Likely benign. Review status: criteria provided, multiple submitters, no conflicts (2 of 4 stars). 2 submissions from 2 submitters: Benign (1); Likely benign (1). Last evaluated 2026-01-25.

Allele frequency attached by ClinVar (database versions not stated): TOPMed 0.00011; gnomAD 0.00012; ExAC 0.00016; 1000 Genomes Project 30x 0.00021; 1000 Genomes Project 0.00026; ESP Exome Variant Server 0.00028.
gnomAD v4.1: 138 of 1,209,656 alleles (0.011%); highest among the groups gnomAD compares: Admixed American, 0.0066%; no homozygotes.

Submissions (2):

Labcorp Genetics (formerly Invitae), Labcorp
Classification: Benign. Last evaluated: 2026-01-25. Review status: criteria provided, single submitter. Criteria: Invitae Variant Classification Sherloc (09022015). Collection method: clinical testing. Allele origin: germline.

CeGaT Center for Human Genetics Tuebingen
Classification: Likely benign. Last evaluated: 2022-04-01. Review status: criteria provided, single submitter. Criteria: CeGaT Center For Human Genetics Tuebingen Variant Classification Criteria Version 2. Collection method: clinical testing. Allele origin: germline. Affected: yes. Observed: 1 variant allele.
Comment: DLG3: BP4, BP7